The following is an entry in ClinVar:

NM_001010867.4(IBA57):c.339C>G (p.Tyr113Ter)

Gene: IBA57 (iron-sulfur cluster assembly factor IBA57; plus strand). Cytogenetic location: 1q42.13.
Variant type: single nucleotide variant.
Coding change: c.339C>G on transcript NM_001010867.4 (MANE Select); coding-DNA position 339, C replaced by G.
Protein change: p.Tyr113Ter; replaces tyrosine 113 with a stop codon.
Molecular consequence: nonsense.
Genome position (GRCh38, 1-based): chr1:228,166,155, C>G. VCF-style: chr1-228166155-C-G. GRCh37 (hg19) VCF-style: chr1-228353856-C-G.
Other names: short protein forms Y113*.
Identifiers: ClinVar variation 3761618 (VCV003761618.3).

ClinVar aggregate classification (germline): Pathogenic. Review status: criteria provided, multiple submitters, no conflicts (2 of 4 stars). 2 submissions from 2 submitters: Pathogenic (2). Last evaluated 2025-11-03.

Conditions:
Hereditary spastic paraplegia 74. Also called: Spastic paraplegia 74, autosomal recessive. Identifiers: Orphanet 468661, MedGen C5568837, MONDO:0014644, OMIM 616451.
Multiple mitochondrial dysfunctions syndrome 3 (MMDS3). Identifiers: Orphanet 363424, MedGen C3809165, MONDO:0014132, OMIM 615330.

Submissions (2):

3billion
Classification: Pathogenic for Hereditary spastic paraplegia 74. Last evaluated: 2025-11-03. Review status: criteria provided, single submitter. Criteria: ACMG Guidelines, 2015. Collection method: clinical testing. Allele origin: germline. Affected: yes.
Comment: The variant is observed at an extremely low frequency in the gnomAD v4.1.0 dataset (total allele frequency: <0.001%). Predicted Consequence/Location: Stop-gained (nonsense): predicted to result in a loss or disruption of normal protein function through nonsense-mediated decay (NMD) or protein truncation. Multiple pathogenic variants are reported downstream of the variant. The variant has been reported to be associated with IBA57-related disorder (ClinVar ID: VCV003761618). Therefore, this variant is classified as Pathogenic according to the recommendation of ACMG/AMP guideline.

Labcorp Genetics (formerly Invitae), Labcorp
Classification: Pathogenic for Multiple mitochondrial dysfunctions syndrome 3; Hereditary spastic paraplegia 74. Last evaluated: 2024-03-03. Review status: criteria provided, single submitter. Criteria: Invitae Variant Classification Sherloc (09022015). Collection method: clinical testing. Allele origin: germline.
Comment: This sequence change creates a premature translational stop signal (p.Tyr113*) in the IBA57 gene. It is expected to result in an absent or disrupted protein product. Loss-of-function variants in IBA57 are known to be pathogenic (PMID: 23462291, 25971455, 27785568, 28671726). This variant is present in population databases (no rsID available, gnomAD 0.1%). This variant has not been reported in the literature in individuals affected with IBA57-related conditions. For these reasons, this variant has been classified as Pathogenic.

Literature cited by the submitters: PubMed 23462291 (cited by Labcorp Genetics (formerly Invitae), Labcorp); PubMed 25971455 (cited by Labcorp Genetics (formerly Invitae), Labcorp); PubMed 27785568 (cited by Labcorp Genetics (formerly Invitae), Labcorp); PubMed 28671726 (cited by Labcorp Genetics (formerly Invitae), Labcorp).